The following is an entry in ClinVar:

NC_000017.10:g.(?_29528423)_(29528509_?)del

Gene: NF1 (neurofibromin 1; plus strand). Cytogenetic location: 17q11.2.
Variant type: Deletion.
Identifiers: ClinVar variation 1073834 (VCV001073834.1).

ClinVar aggregate classification (germline): Pathogenic (1 of 4 stars; one submission).

Conditions:
Neurofibromatosis, type 1 (NF1). Also called: VON RECKLINGHAUSEN DISEASE; Peripheral type neurofibromatosis; NEUROFIBROMATOSIS, TYPE I, SOMATIC; Neurofibromatosis, type I. Identifiers: Orphanet 636, MedGen C0027831, MONDO:0018975, OMIM 162200. Disease mechanism: loss of function.

Submission:

Labcorp Genetics (formerly Invitae), Labcorp
Classification: Pathogenic for Neurofibromatosis, type 1. Last evaluated: 2016-10-01. Review status: criteria provided, single submitter. Criteria: Invitae Variant Classification Sherloc (09022015). Collection method: clinical testing. Allele origin: germline.
Comment: A gross deletion of the genomic region encompassing the full coding sequence of the NF1 gene has been identified. The boundaries of this event are unknown as the deletion extends beyond the assayed region for this gene and therefore may encompass additional genes. Loss-of-function variants in NF1 are known to be pathogenic. Gross deletions of the NF1 gene have been observed in many individuals with neurofibromatosis type 1 (PMID: 8116612, 8931693, 9643287). For these reasons, this variant has been classified as Pathogenic.

Literature cited by the submitters: PubMed 8116612; PubMed 8931693; PubMed 9643287.